The following is an entry in ClinVar:

NM_001105206.3(LAMA4):c.4820A>G (p.Gln1607Arg)

Gene: LAMA4 (laminin subunit alpha 4; minus strand). Cytogenetic location: 6q21.
Variant type: single nucleotide variant.
Coding change: c.4820A>G on transcript NM_001105206.3 (MANE Select); coding-DNA position 4820, A replaced by G.
Protein change: p.Gln1607Arg; replaces glutamine 1607 with arginine.
Molecular consequence: missense variant.
Genome position (GRCh38, 1-based): chr6:112,119,157, T>C on the plus strand (A>G on the coding strand, the complement: LAMA4 is on the minus strand). VCF-style: chr6-112119157-T-C. GRCh37 (hg19) VCF-style: chr6-112440360-T-C.
Other names: c.4799A>G, p.Gln1600Arg (NM_001105207.3, NM_002290.5); short protein forms Q1607R, Q1600R.
Identifiers: ClinVar variation 2839812 (VCV002839812.3), dbSNP rs2546974335, ClinGen allele CA365367315.

ClinVar aggregate classification (germline): Uncertain significance (1 of 4 stars; one submission).

Conditions:
Dilated cardiomyopathy 1JJ (CMD1JJ). Identifiers: Orphanet 154, MedGen C3808935, MONDO:0014095, OMIM 615235.

Submission:

Labcorp Genetics (formerly Invitae), Labcorp
Classification: Uncertain significance for Dilated cardiomyopathy 1JJ. Last evaluated: 2026-01-19. Review status: criteria provided, single submitter. Criteria: Invitae Variant Classification Sherloc (09022015). Collection method: clinical testing. Allele origin: germline.
Comment: This sequence change replaces glutamine, which is neutral and polar, with arginine, which is basic and polar, at codon 1600 of the LAMA4 protein (p.Gln1600Arg). This variant is not present in population databases (gnomAD no frequency). This variant has not been reported in the literature in individuals affected with LAMA4-related conditions. ClinVar contains an entry for this variant (Variation ID: 2839812). An algorithm developed to predict the effect of missense changes on protein structure and function (PolyPhen-2) suggests that this variant is likely to be disruptive. In summary, the available evidence is currently insufficient to determine the role of this variant in disease. Therefore, it has been classified as a Variant of Uncertain Significance.